The following is an entry in ClinVar:

NC_000001.11:g.12941535C>T

Genes: PRAMEF5 (PRAME family member 5; plus strand), PRAMEF6 (PRAME family member 6; minus strand). Cytogenetic location: 1p36.21.
Variant type: single nucleotide variant.
Molecular consequence: synonymous variant (on NM_001010889.2).
Genome position: GRCh38 VCF-style: chr1-12941535-C-T. GRCh37 (hg19) VCF-style: chr1-13001365-C-T.
Other names: c.318G>A, p.Gln106= (NM_001010889.2).
Identifiers: ClinVar variation 4533788 (VCV004533788.6).
Genomic context (GRCh38, chr1:12,941,535, plus strand): 5'-GAGGAAGCACCCACGGGCCATAGCTTCAGACCAAACCATCCAGAAGTTCTCACAGACATC[C>T]TGTAAATCCAGCACTTGAAGTTTCCACCTCCTGTGGGAAAATAGAGGTGAGAATGAGAAT-3'

ClinVar aggregate classification (germline): Likely benign (1 of 4 stars; one submission).

Submission:

CeGaT Center for Human Genetics Tuebingen
Classification: Likely benign. Last evaluated: 2025-10-01. Review status: criteria provided, single submitter. Criteria: CeGaT Center For Human Genetics Tuebingen Variant Classification Criteria Version 2. Collection method: clinical testing. Allele origin: germline. Affected: yes. Observed: 1 variant allele.
Comment: PRAMEF5: BP4, BP7